The following is an entry in ClinVar:

NM_000302.4(PLOD1):c.1808T>A (p.Met603Lys)

Gene: PLOD1 (procollagen-lysine,2-oxoglutarate 5-dioxygenase 1; plus strand). Cytogenetic location: 1p36.22.
Variant type: single nucleotide variant.
Coding change: c.1808T>A on transcript NM_000302.4 (MANE Select); coding-DNA position 1808, T replaced by A.
Protein change: p.Met603Lys; replaces methionine 603 with lysine.
Molecular consequence: missense variant.
Genome position (GRCh38, 1-based): chr1:11,970,722, T>A. VCF-style: chr1-11970722-T-A. GRCh37 (hg19) VCF-style: chr1-12030779-T-A.
Other names: c.1949T>A, p.Met650Lys (NM_001316320.2); short protein forms M650K, M603K.
Identifiers: ClinVar variation 1780514 (VCV001780514.2), dbSNP rs755326697, ClinGen allele CA338449631.
Genomic context (GRCh38, chr1:11,970,722, plus strand): 5'-ACCTCCAGGACAACCGCATCCAGGGTGGCTACGAGAACGTGCCGACTATTGACATCCACA[T>A]GAACCAGATCGGCTTTGAGCGGGAGTGGCACAAATTCCTGCTGGAGTACATTGCGCCCAT-3'
Protein context (NP_000293.2, residues 593-613): YENVPTIDIH[Met603Lys]NQIGFEREWH

ClinVar aggregate classification (germline): Uncertain significance (1 of 4 stars; one submission).

Conditions:
Familial thoracic aortic aneurysm and aortic dissection (TAAD). Also called: Thoracic aortic aneurysms and dissections. Identifiers: Orphanet 91387, MedGen C4707243, MONDO:0019625.

Submission:

Ambry Genetics
Classification: Uncertain significance for Familial thoracic aortic aneurysm and aortic dissection. Last evaluated: 2022-06-14. Review status: criteria provided, single submitter. Criteria: Ambry Variant Classification Scheme 2023. Collection method: clinical testing. Allele origin: germline.
Comment: The p.M603K variant (also known as c.1808T>A), located in coding exon 17 of the PLOD1 gene, results from a T to A substitution at nucleotide position 1808. The methionine at codon 603 is replaced by lysine, an amino acid with similar properties. This amino acid position is conserved. In addition, this alteration is predicted to be deleterious by in silico analysis. Since supporting evidence is limited at this time, the clinical significance of this alteration remains unclear.